The following is an entry in ClinVar:

ClinVar aggregate classification (germline): Uncertain significance (1 of 4 stars; one submission).

Submission:

GeneDx
Classification: Uncertain significance. Last evaluated: 2023-06-11. Review status: criteria provided, single submitter. Criteria: GeneDx Variant Classification Process June 2021. Collection method: clinical testing. Allele origin: germline. Affected: yes.
Comment: Not observed at significant frequency in large population cohorts (gnomAD); In silico analysis supports that this missense variant has a deleterious effect on protein structure/function; Has not been previously published as pathogenic or benign to our knowledge

NM_018082.6(POLR3B):c.2688A>T (p.Lys896Asn)

Gene: POLR3B (RNA polymerase III subunit B; plus strand). Cytogenetic location: 12q23.3.
Variant type: single nucleotide variant.
Coding change: c.2688A>T on transcript NM_018082.6 (MANE Select); coding-DNA position 2688, A replaced by T.
Protein change: p.Lys896Asn; replaces lysine 896 with asparagine.
Molecular consequence: missense variant.
Genome position (GRCh38, 1-based): chr12:106,463,595, A>T. VCF-style: chr12-106463595-A-T. GRCh37 (hg19) VCF-style: chr12-106857373-A-T.
Other names: c.2514A>T, p.Lys838Asn (NM_001160708.2); short protein forms K838N, K896N.
Identifiers: ClinVar variation 3359643 (VCV003359643.1).
Genomic context (GRCh38, chr12:106,463,595, plus strand): 5'-AGATGCTTTTCTGATCAAAATGCTGCTGAGACAGACAAGGCGTCCAGAAATTGGAGACAA[A>T]TTCAGCAGTCGTCATGGGCAAAAAGGTAAACTGTATCATTTCTCAACTTGATTATAAAAC-3'
Protein context (NP_060552.4, residues 886-906): RQTRRPEIGD[Lys896Asn]FSSRHGQKGV